The following is an entry in ClinVar:

NM_025137.4(SPG11):c.3077_3078del (p.Glu1026fs)

Gene: SPG11 (SPG11 vesicle trafficking associated, spatacsin; minus strand). Cytogenetic location: 15q21.1.
Variant type: Microsatellite.
Coding change: c.3077_3078del on transcript NM_025137.4 (MANE Select); coding-DNA positions 3077 to 3078, 2 bases deleted (AG; older notation c.3077_3078delAG).
Protein change: p.Glu1026fs; shifts the reading frame from glutamic acid 1026.
Molecular consequence: frameshift variant.
Genome position (GRCh38, 1-based): chr15:44,613,497-44,613,498, CT deleted on the plus strand (AG on the coding strand, the reverse complement: SPG11 is on the minus strand); deleting any 2 consecutive bases within chr15:44,613,497-44,613,500 gives the same sequence; the c. name uses the placement nearest the transcript's 3' end. VCF-style (leftmost placement, unchanged base first): chr15-44613496-ACT-A. GRCh37 (hg19) VCF-style: chr15-44905694-ACT-A.
Other names: c.3077_3078del, p.Glu1026fs (NM_001160227.2, NM_001411132.1); short protein forms E1026fs.
Identifiers: ClinVar variation 2860428 (VCV002860428.3), dbSNP rs2505501053, ClinGen allele CA1139532872.

ClinVar aggregate classification (germline): Pathogenic (1 of 4 stars; one submission).

Conditions:
Hereditary spastic paraplegia 11. Also called: Spastic Paraplegia 11; Spastic paraplegia, mental retardation and thin corpus callosum; Nakamura Osame syndrome; Autosomal recessive hereditary spastic paraplegia, mental impairment, and thin corpus callosum; SPASTIC PARAPLEGIA, AUTOSOMAL RECESSIVE, COMPLICATED, WITH THIN CORPUS CALLOSUM; SPASTIC PARAPLEGIA, AUTOSOMAL RECESSIVE, WITH MENTAL IMPAIRMENT AND THIN CORPUS CALLOSUM. Identifiers: Orphanet 2822, MedGen C1858479, MONDO:0011445, OMIM 604360.

Submission:

Labcorp Genetics (formerly Invitae), Labcorp
Classification: Pathogenic for Hereditary spastic paraplegia 11. Last evaluated: 2024-01-29. Review status: criteria provided, single submitter. Criteria: Invitae Variant Classification Sherloc (09022015). Collection method: clinical testing. Allele origin: germline.
Comment: This sequence change creates a premature translational stop signal (p.Glu1026Valfs*3) in the SPG11 gene. It is expected to result in an absent or disrupted protein product. Loss-of-function variants in SPG11 are known to be pathogenic (PMID: 19105190, 20110243, 22154821, 26556829). This variant is not present in population databases (gnomAD no frequency). This variant has not been reported in the literature in individuals affected with SPG11-related conditions. Algorithms developed to predict the effect of sequence changes on RNA splicing suggest that this variant may disrupt the consensus splice site. For these reasons, this variant has been classified as Pathogenic.

Literature cited by the submitters: PubMed 19105190; PubMed 20110243; PubMed 22154821; PubMed 26556829.